The following is an entry in ClinVar:

ClinVar aggregate classification (germline): Likely benign (0 of 4 stars; one submission).

Conditions:
FBLN1-related disorder. Also called: FBLN1-related condition.

Allele frequency attached by ClinVar (database versions not stated): gnomAD 0.00001; gnomAD exomes 0.00002; TOPMed 0.00005.
gnomAD v4.1: 11 of 716,590 alleles (0.0015%); highest among the groups gnomAD compares: Admixed American, 0.02%; no homozygotes.

Submission:

PreventionGenetics, part of Exact Sciences
Classification: Likely benign for FBLN1-related condition. Last evaluated: 2019-05-31. Review status: no assertion criteria provided. Collection method: clinical testing. Allele origin: germline.
Comment: This variant is classified as likely benign based on ACMG/AMP sequence variant interpretation guidelines (Richards et al. 2015 PMID: 25741868, with internal and published modifications).

NM_006486.3(FBLN1):c.1697+7447C>T

Gene: FBLN1 (fibulin 1; plus strand). Cytogenetic location: 22q13.31.
Variant type: single nucleotide variant.
Coding change: c.1697+7447C>T on transcript NM_006486.3 (MANE Select); 7447 bases into the intron after coding-DNA position 1697, C replaced by T.
Molecular consequence: intron variant.
Genome position (GRCh38, 1-based): chr22:45,558,062, C>T. VCF-style: chr22-45558062-C-T. GRCh37 (hg19) VCF-style: chr22-45953942-C-T.
Other names: c.1698-6822C>T (NM_006485.4); c.1698-4850C>T (NM_001996.4); c.1698-9C>T (NM_006487.3).
Identifiers: ClinVar variation 3042321 (VCV003042321.2), dbSNP rs1181646978, ClinGen allele CA639619168.